The following is an entry in ClinVar:

ClinVar aggregate classification (germline): Likely benign (1 of 4 stars; one submission).

Allele frequency attached by ClinVar (database versions not stated): 1000 Genomes Project 30x 0.01109; 1000 Genomes Project 0.01138; TOPMed 0.02165; gnomAD 0.02454 and 0.02560.
gnomAD v4.1: 3,757 of 152,098 alleles (2.5%); highest among the groups gnomAD compares: Non-Finnish European, 3.8%; 66 homozygotes.

Submission:

GeneDx
Classification: Likely benign. Last evaluated: 2018-06-16. Review status: criteria provided, single submitter. Criteria: GeneDx Variant Classification (06012015). Collection method: clinical testing. Allele origin: germline. Affected: yes.
Comment: This variant is considered likely benign or benign based on one or more of the following criteria: it is a conservative change, it occurs at a poorly conserved position in the protein, it is predicted to be benign by multiple in silico algorithms, and/or has population frequency not consistent with disease.

NM_007373.4(SHOC2):c.1285-188C>T

Gene: SHOC2 (SHOC2 leucine rich repeat scaffold protein; plus strand). Cytogenetic location: 10q25.2.
Variant type: single nucleotide variant.
Coding change: c.1285-188C>T on transcript NM_007373.4 (MANE Select); 188 bases into the intron before coding-DNA position 1285, C replaced by T.
Molecular consequence: intron variant.
Genome position (GRCh38, 1-based): chr10:111,009,060, C>T. VCF-style: chr10-111009060-C-T. GRCh37 (hg19) VCF-style: chr10-112768818-C-T.
Other names: c.1285-188C>T (NM_001324336.2, NM_001324337.2); c.1147-188C>T (NM_001269039.3).
Identifiers: ClinVar variation 561497 (VCV000561497.1), dbSNP rs116924648, ClinGen allele CA213914625.